The following is an entry in ClinVar:

NM_014452.5(TNFRSF21):c.598A>T (p.Ile200Phe)

Genes: TNFRSF21 (TNF receptor superfamily member 21; minus strand), LOC126859685 (MED14-independent group 3 enhancer GRCh37_chr6:47252971-47254170; plus strand). Cytogenetic location: 6p12.3.
Variant type: single nucleotide variant.
Coding change: c.598A>T on transcript NM_014452.5 (MANE Select); coding-DNA position 598, A replaced by T.
Protein change: p.Ile200Phe; replaces isoleucine 200 with phenylalanine.
Molecular consequence: missense variant.
Genome position (GRCh38, 1-based): chr6:47,286,094, T>A on the plus strand (A>T on the coding strand, the complement: TNFRSF21 is on the minus strand). VCF-style: chr6-47286094-T-A. GRCh37 (hg19) VCF-style: chr6-47253830-T-A.
Other names: short protein forms I200F.
Identifiers: ClinVar variation 4855603 (VCV004855603.1).

ClinVar aggregate classification (germline): Uncertain significance (1 of 4 stars; one submission).

Conditions:
TNFRSF21-related disorder.

Submission:

3billion
Classification: Uncertain significance for TNFRSF21-related disorder. Last evaluated: 2025-09-05. Review status: criteria provided, single submitter. Criteria: ACMG Guidelines, 2015. Collection method: clinical testing. Allele origin: germline. Affected: yes.
Comment: The variant is not observed in the gnomAD v4.1.0 dataset. Predicted Consequence/Location: Missense variant Therefore, this variant is classified as VUS according to the recommendation of ACMG/AMP guideline.